The following is an entry in ClinVar:

ClinVar aggregate classification (germline): Uncertain significance (1 of 4 stars; one submission).

Submission:

Labcorp Genetics (formerly Invitae), Labcorp
Classification: Uncertain significance. Last evaluated: 2022-10-31. Review status: criteria provided, single submitter. Criteria: Invitae Variant Classification Sherloc (09022015). Collection method: clinical testing. Allele origin: germline.
Comment: In summary, the available evidence is currently insufficient to determine the role of this variant in disease. Therefore, it has been classified as a Variant of Uncertain Significance. Algorithms developed to predict the effect of missense changes on protein structure and function are either unavailable or do not agree on the potential impact of this missense change (SIFT: "Deleterious"; PolyPhen-2: "Probably Damaging"; Align-GVGD: "Class C15"). This variant has not been reported in the literature in individuals affected with FRMD7-related conditions. This variant is not present in population databases (gnomAD no frequency). This sequence change replaces isoleucine, which is neutral and non-polar, with serine, which is neutral and polar, at codon 202 of the FRMD7 protein (p.Ile202Ser).

NM_194277.3(FRMD7):c.605T>G (p.Ile202Ser)

Gene: FRMD7 (FERM domain containing 7; minus strand). Cytogenetic location: Xq26.2.
Variant type: single nucleotide variant.
Coding change: c.605T>G on transcript NM_194277.3 (MANE Select); coding-DNA position 605, T replaced by G.
Protein change: p.Ile202Ser; replaces isoleucine 202 with serine.
Molecular consequence: missense variant.
Genome position (GRCh38, 1-based): chrX:132,085,621, A>C on the plus strand (T>G on the coding strand, the complement: FRMD7 is on the minus strand). VCF-style: chrX-132085621-A-C. GRCh37 (hg19) VCF-style: chrX-131219649-A-C.
Other names: c.560T>G, p.Ile187Ser (NM_001306193.2); short protein forms I187S, I202S.
Identifiers: ClinVar variation 2811081 (VCV002811081.3), dbSNP rs2520754400, ClinGen allele CA414681018.